The following is an entry in ClinVar:

ClinVar aggregate classification (germline): Conflicting classifications of pathogenicity. Review status: criteria provided, conflicting classifications (1 of 4 stars). 3 submissions from 3 submitters: Likely pathogenic (2); Uncertain significance (1). Last evaluated 2025-11-04.

Conditions:
MIB1-related disorder. Also called: MIB1-related condition.
Left ventricular noncompaction 7 (LVNC7). Identifiers: Orphanet 54260, MedGen C3554496, MONDO:0014042, OMIM 615092.

Submissions (3):

Variantyx, Inc.
Classification: Likely pathogenic for Left ventricular noncompaction 7. Last evaluated: 2025-11-04. Review status: criteria provided, single submitter. Criteria: Variantyx Assertion Criteria 2022. Collection method: clinical testing. Allele origin: germline. Inheritance: Autosomal dominant inheritance. Affected: yes.
Comment: This is a frameshift variant in the MIB1 gene (OMIM: 608677). Pathogenic variants in this gene have been associated with autosomal dominant left ventricular noncompaction 7. This variant introduces a premature termination codon in exon 11 out of 21 and is expected to result in loss of function, which is a known disease mechanism for MIB1 in this disorder (PMID: 23314057, 34564127) (PVS1). This variant has a 0.0010% maximum allele frequency in non-founder control populations (PM2) and it has been reported in the heterozygous state in at least one affected individuals with early-onset atrial fibrillation (PMID: 34495297). Based on the current evidence, this variant is classified as likely pathogenic for autosomal dominant left ventricular noncompaction 7.

PreventionGenetics, part of Exact Sciences
Classification: Uncertain significance for MIB1-related condition. Last evaluated: 2025-10-31. Review status: criteria provided, single submitter. Criteria: ACMG Guidelines, 2015. Collection method: clinical testing. Allele origin: germline.
Comment: The MIB1 c.1622delG variant is predicted to result in a frameshift and premature protein termination (p.Gly541Valfs*6). This variant has been reported in at least one individual with atrial fibrillation (eTable 2, Yoneda et al. 2021. PubMed ID: 34495297). This variant is reported in 0.0065% of alleles in individuals of European (non-Finnish) descent in gnomAD. Loss-of-function is not an established mechanism of MIB1-related disease. At this time, the clinical significance of this variant is uncertain due to the absence of conclusive functional and genetic evidence.

AiLife Diagnostics
Classification: Likely pathogenic. Last evaluated: 2022-01-27. Review status: criteria provided, single submitter. Criteria: ACMG Guidelines, 2015. Collection method: clinical testing. Allele origin: germline. Affected: yes. Observed: 2 variant alleles.

Literature cited by the submitters: PubMed 23314057 (cited by Variantyx, Inc.); PubMed 34564127 (cited by Variantyx, Inc.).

NM_020774.4(MIB1):c.1622del (p.Gly541fs)

Gene: MIB1 (MIB E3 ubiquitin protein ligase 1; plus strand). Cytogenetic location: 18q11.2.
Variant type: Deletion.
Coding change: c.1622del on transcript NM_020774.4 (MANE Select); coding-DNA position 1622, one base deleted (G; older notation c.1622delG).
Protein change: p.Gly541fs; shifts the reading frame from glycine 541.
Molecular consequence: frameshift variant.
Genome position (GRCh38, 1-based): chr18:21,815,758, G deleted; the last of 2 consecutive G bases (chr18:21,815,757-21,815,758); deleting either gives the same sequence. VCF-style (leftmost placement, unchanged base first): chr18-21815756-AG-A. GRCh37 (hg19) VCF-style: chr18-19395717-AG-A.
Other names: c.1622delG (NM_020774.3); short protein forms G541fs.
Identifiers: ClinVar variation 1678139 (VCV001678139.3), dbSNP rs1280935153, ClinGen allele CA628978473.